The following is an entry in ClinVar:

NM_007055.4(POLR3A):c.3697C>A (p.Arg1233=)

Gene: POLR3A (RNA polymerase III subunit A; minus strand). Cytogenetic location: 10q22.3.
Variant type: single nucleotide variant.
Coding change: c.3697C>A on transcript NM_007055.4 (MANE Select); coding-DNA position 3697, C replaced by A.
Protein change: p.Arg1233=; no amino-acid change (arginine 1233 retained).
Molecular consequence: synonymous variant.
Genome position (GRCh38, 1-based): chr10:77,982,216, G>T on the plus strand (C>A on the coding strand, the complement: POLR3A is on the minus strand). VCF-style: chr10-77982216-G-T. GRCh37 (hg19) VCF-style: chr10-79741974-G-T.
Identifiers: ClinVar variation 301039 (VCV000301039.17), dbSNP rs576629157, ClinGen allele CA5570749.

ClinVar aggregate classification (germline): Likely benign. Review status: criteria provided, multiple submitters, no conflicts (2 of 4 stars). 3 submissions from 3 submitters: Likely benign (3). Last evaluated 2026-01-01.

Allele frequency attached by ClinVar (database versions not stated): TOPMed 0.00002; gnomAD 0.00003; ExAC 0.00015; 1000 Genomes Project 30x 0.00016; 1000 Genomes Project 0.00020.
gnomAD v4.1: 81 of 1,613,962 alleles (0.005%); highest among the groups gnomAD compares: South Asian, 0.083%; no homozygotes.

Submissions (3):

CeGaT Center for Human Genetics Tuebingen
Classification: Likely benign. Last evaluated: 2026-01-01. Review status: criteria provided, single submitter. Criteria: CeGaT Center For Human Genetics Tuebingen Variant Classification Criteria Version 2. Collection method: clinical testing. Allele origin: germline. Affected: yes. Observed: 1 variant allele.
Comment: POLR3A: BP4, BP7

Labcorp Genetics (formerly Invitae), Labcorp
Classification: Likely benign. Last evaluated: 2025-10-23. Review status: criteria provided, single submitter. Criteria: Invitae Variant Classification Sherloc (09022015). Collection method: clinical testing. Allele origin: germline.

Blueprint Genetics
Classification: Likely benign. Last evaluated: 2024-05-13. Review status: criteria provided, single submitter. Criteria: ACMG Guidelines, 2015. Collection method: clinical testing. Allele origin: germline.